The following is an entry in ClinVar:

ClinVar aggregate classification (germline): Uncertain significance (1 of 4 stars; one submission).

Conditions:
Cardiovascular phenotype. Identifiers: MedGen CN230736.

Allele frequency attached by ClinVar (database versions not stated): gnomAD 0.00001; TOPMed 0.00001.

Submission:

Ambry Genetics
Classification: Uncertain significance for Cardiovascular phenotype. Last evaluated: 2020-08-25. Review status: criteria provided, single submitter. Criteria: Ambry Variant Classification Scheme 2023. Collection method: clinical testing. Allele origin: germline.
Comment: The p.A1534T variant (also known as c.4600G>A), located in coding exon 8 of the ALPK3 gene, results from a G to A substitution at nucleotide position 4600. The alanine at codon 1534 is replaced by threonine, an amino acid with similar properties. This amino acid position is well conserved in available vertebrate species; however, threonine is the reference amino acid in other vertebrate species. In addition, this alteration is predicted to be tolerated by in silico analysis. Since supporting evidence is limited at this time, the clinical significance of this alteration remains unclear.

NM_020778.5(ALPK3):c.3994G>A (p.Ala1332Thr)

Gene: ALPK3 (alpha kinase 3; plus strand). Cytogenetic location: 15q25.3.
Variant type: single nucleotide variant.
Coding change: c.3994G>A on transcript NM_020778.5 (MANE Select); coding-DNA position 3994, G replaced by A.
Protein change: p.Ala1332Thr; replaces alanine 1332 with threonine.
Molecular consequence: missense variant.
Genome position (GRCh38, 1-based): chr15:84,859,804, G>A. VCF-style: chr15-84859804-G-A. GRCh37 (hg19) VCF-style: chr15-85403035-G-A.
Other names: short protein forms A1332T.
Identifiers: ClinVar variation 1741824 (VCV001741824.2), dbSNP rs1429028365, ClinGen allele CA393361848.